The following is an entry in ClinVar:

NM_005045.4(RELN):c.5210T>C (p.Ile1737Thr)

Gene: RELN (reelin; minus strand). Cytogenetic location: 7q22.1.
Variant type: single nucleotide variant.
Coding change: c.5210T>C on transcript NM_005045.4 (MANE Select); coding-DNA position 5210, T replaced by C.
Protein change: p.Ile1737Thr; replaces isoleucine 1737 with threonine.
Molecular consequence: missense variant.
Genome position (GRCh38, 1-based): chr7:103,565,278, A>G on the plus strand (T>C on the coding strand, the complement: RELN is on the minus strand). VCF-style: chr7-103565278-A-G. GRCh37 (hg19) VCF-style: chr7-103205725-A-G.
Other names: c.5210T>C, p.Ile1737Thr (NM_173054.3); short protein forms I1737T.
Identifiers: ClinVar variation 977416 (VCV000977416.13), dbSNP rs202116849, ClinGen allele CA4421305.

ClinVar aggregate classification (germline): Uncertain significance. Review status: criteria provided, multiple submitters, no conflicts (2 of 4 stars). 3 submissions from 3 submitters: Uncertain significance (3). Last evaluated 2025-07-26.

Conditions:
Familial temporal lobe epilepsy 7. Identifiers: Orphanet 101046, MedGen C4225327, MONDO:0014639, OMIM 616436.
RELN-related disorder. Also called: RELN-related condition.
Norman-Roberts syndrome (LIS2). Also called: Lissencephaly 2 (Norman-Roberts type). Identifiers: Orphanet 89844, MedGen C0796089, MONDO:0009760, OMIM 257320.

Allele frequency attached by ClinVar (database versions not stated): 1000 Genomes Project 30x 0.00016; 1000 Genomes Project 0.00020; TOPMed 0.00001.
gnomAD v4.1: 8 of 1,614,140 alleles (0.0005%); highest among the groups gnomAD compares: African/African-American, 0.0053%; no homozygotes.

Submissions (3):

PreventionGenetics, part of Exact Sciences
Classification: Uncertain significance for RELN-related condition. Last evaluated: 2025-07-26. Review status: criteria provided, single submitter. Criteria: ACMG Guidelines, 2015. Collection method: clinical testing. Allele origin: germline.
Comment: The RELN c.5210T>C variant is predicted to result in the amino acid substitution p.Ile1737Thr. To our knowledge, this variant has not been reported in the literature. This variant is reported in 0.0080% of alleles in individuals of African descent in gnomAD. At this time, the clinical significance of this variant is uncertain due to the absence of conclusive functional and genetic evidence.

Labcorp Genetics (formerly Invitae), Labcorp
Classification: Uncertain significance for Familial temporal lobe epilepsy 7; Norman-Roberts syndrome. Last evaluated: 2025-01-19. Review status: criteria provided, single submitter. Criteria: Invitae Variant Classification Sherloc (09022015). Collection method: clinical testing. Allele origin: germline.
Comment: This sequence change replaces isoleucine, which is neutral and non-polar, with threonine, which is neutral and polar, at codon 1737 of the RELN protein (p.Ile1737Thr). This variant is present in population databases (rs202116849, gnomAD 0.008%). This variant has not been reported in the literature in individuals affected with RELN-related conditions. ClinVar contains an entry for this variant (Variation ID: 977416). An algorithm developed to predict the effect of missense changes on protein structure and function (PolyPhen-2) suggests that this variant is likely to be tolerated. In summary, the available evidence is currently insufficient to determine the role of this variant in disease. Therefore, it has been classified as a Variant of Uncertain Significance.

New York Genome Center
Classification: Uncertain significance for Familial temporal lobe epilepsy 7. Last evaluated: 2022-01-07. Review status: criteria provided, single submitter. Criteria: NYGC Assertion Criteria 2020. Collection method: clinical testing. Allele origin: inherited, germline. Observed: 2 heterozygotes. Clinical features observed: Focal-onset seizure (HP:0007359), Seizure (HP:0001250), Focal impaired awareness seizure (HP:0002384), Obesity (HP:0001513), Asthma (HP:0002099), Depression (HP:0000716). Study: CSER-NYCKidSeq.